The following is an entry in ClinVar:

ClinVar aggregate classification (germline): Uncertain significance (1 of 4 stars; one submission).

gnomAD v4.1: 49 of 1,571,770 alleles (0.0031%); highest among the groups gnomAD compares: East Asian, 0.023%; no homozygotes.

Submission:

Labcorp Genetics (formerly Invitae), Labcorp
Classification: Uncertain significance. Last evaluated: 2025-05-30. Review status: criteria provided, single submitter. Criteria: Invitae Variant Classification Sherloc (09022015). Collection method: clinical testing. Allele origin: germline.
Comment: This sequence change replaces alanine, which is neutral and non-polar, with threonine, which is neutral and polar, at codon 1605 of the SIPA1L3 protein (p.Ala1605Thr). The frequency data for this variant in the population databases is considered unreliable, as metrics indicate poor data quality at this position in the gnomAD database. This missense change has been observed in individual(s) with West syndrome (PMID: 29667327). An algorithm developed to predict the effect of missense changes on protein structure and function outputs the following: PolyPhen-2: "Benign". The threonine amino acid residue is found in multiple mammalian species, which suggests that this missense change does not adversely affect protein function. In summary, the available evidence is currently insufficient to determine the role of this variant in disease. Therefore, it has been classified as a Variant of Uncertain Significance.

Literature cited by the submitters: PubMed 29667327.

NM_015073.3(SIPA1L3):c.4813G>A (p.Ala1605Thr)

Gene: SIPA1L3 (signal induced proliferation associated 1 like 3; plus strand). Cytogenetic location: 19q13.13.
Variant type: single nucleotide variant.
Coding change: c.4813G>A on transcript NM_015073.3 (MANE Select); coding-DNA position 4813, G replaced by A.
Protein change: p.Ala1605Thr; replaces alanine 1605 with threonine.
Molecular consequence: missense variant.
Genome position (GRCh38, 1-based): chr19:38,193,753, G>A. VCF-style: chr19-38193753-G-A. GRCh37 (hg19) VCF-style: chr19-38684393-G-A.
Other names: short protein forms A1605T.
Identifiers: ClinVar variation 4709345 (VCV004709345.1).